The following is an entry in ClinVar:

NM_006282.5(STK4):c.35+624T>A

Gene: STK4 (serine/threonine kinase 4; plus strand). Cytogenetic location: 20q13.12.
Variant type: single nucleotide variant.
Coding change: c.35+624T>A on transcript NM_006282.5 (MANE Select); 624 bases into the intron after coding-DNA position 35, T replaced by A.
Molecular consequence: intron variant.
Genome position (GRCh38, 1-based): chr20:44,967,227, T>A. VCF-style: chr20-44967227-T-A. GRCh37 (hg19) VCF-style: chr20-43595868-T-A.
Other names: c.35+624T>A (NM_001352385.2).
Identifiers: ClinVar variation 2688246 (VCV002688246.2), dbSNP rs4810446, ClinGen allele CA315500948.

ClinVar aggregate classification (germline): Benign (1 of 4 stars; one submission).

Allele frequency attached by ClinVar (database versions not stated): gnomAD 0.09029; TOPMed 0.09943; 1000 Genomes Project 30x 0.09994; 1000 Genomes Project 0.10304.
gnomAD v4.1: 79,830 of 985,110 alleles (8.1%); highest among the groups gnomAD compares: East Asian, 19%; 3,518 homozygotes.

Submission:

Unidad de Genómica Garrahan, Hospital de Pediatría Garrahan
Classification: Benign. Last evaluated: 2024-01-24. Review status: criteria provided, single submitter. Criteria: ACMG Guidelines, 2015. Collection method: clinical testing. Allele origin: germline. Affected: no. Observed: 29 variant alleles.
Comment: This variant is classified as Benign based on local population frequency. This variant was detected in 31% of patients studied by a panel of primary immunodeficiencies. Number of patients: 29. Only high quality variants are reported.